The following is an entry in ClinVar:

ClinVar aggregate classification (germline): Pathogenic (1 of 4 stars; one submission).

Conditions:
Neuromuscular disease caused by qualitative or quantitative defects of dystrophin. Also called: Qualitative or quantitative defects of dystrophin. Identifiers: Orphanet 207085, MedGen C5679787, MONDO:0016147.

Submission:

Women's Health and Genetics/Laboratory Corporation of America, LabCorp
Classification: Pathogenic for Neuromuscular disease caused by qualitative or quantitative defects of dystrophin. Last evaluated: 2021-08-20. Review status: criteria provided, single submitter. Criteria: LabCorp Variant Classification Summary - May 2015. Collection method: clinical testing. Allele origin: germline.
Comment: Variant summary: The variant identified by MLPA or other technology involves the deletion of exons 48-52 in the DMD gene. A presumed nomenclature of c.(6912+1_6913-1)_(7660+1_7661-1)del has been designated for the purposes of this classification. Although exact breakpoints of this deletion are not known, it is expected to result in a frameshift in the DMD gene, a known mechanism of disease. The variant was absent in 16120 control chromosomes. c.(6912+1_6913-1)_(7660+1_7661-1)del has been reported in the literature in individuals affected with Dystrophinopathies (e.g. Okubo_2016, Ling_2020). These data indicate that the variant may be associated with disease. To our knowledge, no experimental evidence demonstrating an impact on protein function has been reported. One clinical diagnostic laboratory has submitted clinical-significance assessments for this variant to ClinVar after 2014 without evidence for independent evaluation and classified the variant as pathogenic. Based on the evidence outlined above, the variant was classified as pathogenic.

Literature cited by the submitters: PubMed 26911353; PubMed 31705731.

NC_000023.10:g.(31697704_31747747)_(31893491_31947712)del

Gene: DMD (dystrophin; minus strand). Cytogenetic location: Xp21.1.
Variant type: Deletion.
Identifiers: ClinVar variation 1217262 (VCV001217262.1).